The following is an entry in ClinVar:

NC_000023.10:g.(?_31745485)_(31897527_?)del

Gene: DMD (dystrophin; minus strand). Cytogenetic location: Xp21.1.
Variant type: Deletion.
Identifiers: ClinVar variation 2424838 (VCV002424838.4).

ClinVar aggregate classification (germline): Pathogenic (1 of 4 stars; one submission).

Conditions:
Duchenne muscular dystrophy (DMD). Also called: Duchenne Muscular Dystrophy (DMD); MUSCULAR DYSTROPHY, PSEUDOHYPERTROPHIC PROGRESSIVE, DUCHENNE TYPE. Identifiers: Orphanet 98896, MedGen C0013264, MONDO:0010679, OMIM 310200.

Submission:

Labcorp Genetics (formerly Invitae), Labcorp
Classification: Pathogenic for Duchenne muscular dystrophy. Last evaluated: 2022-10-09. Review status: criteria provided, single submitter. Criteria: Invitae Variant Classification Sherloc (09022015). Collection method: clinical testing. Allele origin: germline.
Comment: This variant is a gross deletion of the genomic region encompassing exon(s) 48-52 of the DMD gene. This deletion is out-of-frame, and is expected to create a premature termination codon and result in an absent or disrupted protein product. Loss-of-function variants in DMD are known to be pathogenic (PMID: 16770791, 25007885). A similar copy number variant has been observed in individuals with Duchenne muscular dystrophy and Becker muscular dystrophy (PMID: 8543940, 9619643, 15976104, 18752307, 23299919, 26911353). For these reasons, this variant has been classified as Pathogenic.

Literature cited by the submitters: PubMed 16770791; PubMed 25007885; PubMed 8543940; PubMed 9619643; PubMed 15976104; PubMed 18752307; PubMed 23299919; PubMed 26911353.